The following is an entry in ClinVar:

ClinVar aggregate classification (germline): Likely pathogenic (1 of 4 stars; one submission).

gnomAD v4.1: 1 of 1,609,062 alleles (0.000062%); no homozygotes.

Submission:

Labcorp Genetics (formerly Invitae), Labcorp
Classification: Likely pathogenic. Last evaluated: 2025-03-10. Review status: criteria provided, single submitter. Criteria: Invitae Variant Classification Sherloc (09022015). Collection method: clinical testing. Allele origin: germline.
Comment: This sequence change affects an acceptor splice site in intron 1 of the C2CD3 gene. It is expected to disrupt RNA splicing. Variants that disrupt the donor or acceptor splice site typically lead to a loss of protein function (PMID: 16199547), and loss-of-function variants in C2CD3 are known to be pathogenic (PMID: 24997988, 26477546). This variant is not present in population databases (gnomAD no frequency). This variant has not been reported in the literature in individuals affected with C2CD3-related conditions. Algorithms developed to predict the effect of sequence changes on RNA splicing suggest that this variant may disrupt the consensus splice site. In summary, the currently available evidence indicates that the variant is pathogenic, but additional data are needed to prove that conclusively. Therefore, this variant has been classified as Likely Pathogenic.

Literature cited by the submitters: PubMed 16199547; PubMed 24997988; PubMed 26477546.

NM_001286577.2(C2CD3):c.56-1G>C

Gene: C2CD3 (C2 domain containing 3 centriole elongation regulator; minus strand). Cytogenetic location: 11q13.4.
Variant type: single nucleotide variant.
Coding change: c.56-1G>C on transcript NM_001286577.2 (MANE Select); the canonical splice acceptor site of the intron before coding-DNA position 56, G replaced by C.
Molecular consequence: splice acceptor variant.
Genome position (GRCh38, 1-based): chr11:74,168,614, C>G on the plus strand (G>C on the coding strand, the complement: C2CD3 is on the minus strand). VCF-style: chr11-74168614-C-G. GRCh37 (hg19) VCF-style: chr11-73879659-C-G.
Other names: c.56-1G>C (NM_015531.6).
Identifiers: ClinVar variation 3657456 (VCV003657456.2).